The following is an entry in ClinVar:

NM_015135.3(NUP205):c.5285A>C (p.Glu1762Ala)

Gene: NUP205 (nucleoporin 205; plus strand). Cytogenetic location: 7q33.
Variant type: single nucleotide variant.
Coding change: c.5285A>C on transcript NM_015135.3 (MANE Select); coding-DNA position 5285, A replaced by C.
Protein change: p.Glu1762Ala; replaces glutamic acid 1762 with alanine.
Molecular consequence: missense variant.
Genome position (GRCh38, 1-based): chr7:135,638,576, A>C. VCF-style: chr7-135638576-A-C. GRCh37 (hg19) VCF-style: chr7-135323324-A-C.
Other names: c.4211A>C, p.Glu1404Ala (NM_001329434.2); short protein forms E1762A, E1404A.
Identifiers: ClinVar variation 4734551 (VCV004734551.1).

ClinVar aggregate classification (germline): Uncertain significance (1 of 4 stars; one submission).

gnomAD v4.1: 1 of 1,613,806 alleles (0.000062%); highest among the groups gnomAD compares: African/African-American, 0.0013%; no homozygotes.

Submission:

Labcorp Genetics (formerly Invitae), Labcorp
Classification: Uncertain significance. Last evaluated: 2026-01-08. Review status: criteria provided, single submitter. Criteria: Invitae Variant Classification Sherloc (09022015). Collection method: clinical testing. Allele origin: germline.
Comment: This sequence change replaces glutamic acid, which is acidic and polar, with alanine, which is neutral and non-polar, at codon 1762 of the NUP205 protein (p.Glu1762Ala). This variant is present in population databases (no rsID available, gnomAD 0.01%). This variant has not been reported in the literature in individuals affected with NUP205-related conditions. An algorithm developed to predict the effect of missense changes on protein structure and function (PolyPhen-2) suggests that this variant is likely to be tolerated. In summary, the available evidence is currently insufficient to determine the role of this variant in disease. Therefore, it has been classified as a Variant of Uncertain Significance.